The following is an entry in ClinVar:

NM_000051.4(ATM):c.2730_2731insAG (p.Ala911fs)

Gene: ATM (ATM serine/threonine kinase; plus strand). Cytogenetic location: 11q22.3.
Variant type: Insertion.
Coding change: c.2730_2731insAG on transcript NM_000051.4 (MANE Select); coding-DNA positions 2730 to 2731, AG inserted.
Protein change: p.Ala911fs; shifts the reading frame from alanine 911.
Molecular consequence: frameshift variant.
Genome position: GRCh38 VCF-style: chr11-108268501-T-TAG. GRCh37 (hg19) VCF-style: chr11-108139228-T-TAG.
Other names: NM_000051.4(ATM):c.2730_2731insAG; p.Ala911fs; c.2730_2731insAG, p.Ala911fs (NM_001351834.2); short protein forms A911fs.
Identifiers: ClinVar variation 420368 (VCV000420368.20), dbSNP rs1064794437, ClinGen allele CA16619147.

ClinVar aggregate classification (germline): Pathogenic. Review status: reviewed by expert panel (3 of 4 stars). 7 submissions from 7 submitters: Pathogenic (1). 6 of the submissions do not count toward it. Last evaluated 2024-11-26.

Conditions:
Hereditary cancer-predisposing syndrome. Also called: Neoplastic Syndromes, Hereditary; Hereditary neoplastic syndrome; Hereditary Cancer Syndrome; Tumor predisposition. Identifiers: Orphanet 140162, MedGen C0027672, MeSH D009386, MONDO:0015356.
Familial cancer of breast. Also called: hereditary breast carcinoma; Hereditary breast cancer; BREAST CANCER, FAMILIAL. Identifiers: Orphanet 227535, MedGen C0346153, MONDO:0016419, OMIM 114480. Disease mechanism: loss of function.
ATM-related cancer predisposition. Also called: ATM-related cancer susceptibility. Identifiers: MedGen CN377759, MONDO:0700270.
Ataxia-telangiectasia syndrome (AT). Also called: Ataxia-telangiectasia, complementation group D; AT, COMPLEMENTATION GROUP C; LOUIS-BAR SYNDROME; Ataxia-telangiectasia, complementation group E; Cerebello-oculocutaneous telangiectasia; Immunodeficiency with ataxia telangiectasia. Identifiers: Orphanet 100, MedGen C0004135, MONDO:0008840, OMIM 208900.

Allele frequency attached by ClinVar (database versions not stated): gnomAD exomes below 0.00001.

Submissions (7):

ClinGen Hereditary Breast, Ovarian and Pancreatic Cancer Variant Curation Expert Panel, ClinGen
Classification: Pathogenic for ATM-related cancer predisposition. Last evaluated: 2024-11-26. Review status: reviewed by expert panel. Criteria: ClinGen HBOP ACMG Specifications ATM V1.3.0. Collection method: curation. Allele origin: germline. Inheritance: Autosomal dominant inheritance.
Comment: The c.2730_2731insAG (p.Ala911Argfs*19) variant in ATM is a frameshift variant in biologically-relevant-exon predicted to cause a premature stop codon leading to nonsense mediated decay in a gene in which loss-of-function is an established disease mechanism. This alteration results in a termination codon upstream of the most C-terminus pathogenic alteration (ATM p.Arg3047*), as classified by the HBOP VCEP, and is expected to be more deleterious. This variant is absent from gnomAD v2.1.1. In summary, this variant meets criteria to be classified as pathogenic for autosomal dominant ATM-related cancer predisposition and autosomal recessive Ataxia-Telangiectasia based on the ACMG/AMP criteria applied as specified by the HBOP Variant Curation Expert Panel. (PVS1, PM5_Supporting, PM2_Supporting)

Ambry Genetics
Classification: Pathogenic for Hereditary cancer-predisposing syndrome. Last evaluated: 2026-08-10. Review status: criteria provided, single submitter. Criteria: Ambry Variant Classification Scheme 2023. Collection method: clinical testing. Allele origin: germline. Not counted in ClinVar's aggregate classification.
Comment: The c.2730_2731insAG pathogenic mutation, located in coding exon 17 of the ATM gene, results from an insertion of two nucleotides at position 2730, causing a translational frameshift with a predicted alternate stop codon. This alteration is expected to result in loss of function by premature protein truncation or nonsense-mediated mRNA decay. As such, this alteration is interpreted as a disease-causing mutation.

Myriad Genetics, Inc.
Classification: Pathogenic for Familial cancer of breast. Last evaluated: 2024-01-18. Review status: criteria provided, single submitter. Criteria: Myriad Autosomal Dominant, Autosomal Recessive and X-Linked Classification Criteria (2023). Collection method: clinical testing. Allele origin: unknown. Not counted in ClinVar's aggregate classification.
Comment: This variant is considered pathogenic. This variant creates a frameshift predicted to result in premature protein truncation.

Baylor Genetics
Classification: Likely pathogenic for Familial cancer of breast. Last evaluated: 2022-04-27. Review status: criteria provided, single submitter. Criteria: ACMG Guidelines, 2015. Collection method: clinical testing. Allele origin: unknown. Not counted in ClinVar's aggregate classification.

Labcorp Genetics (formerly Invitae), Labcorp
Classification: Pathogenic for Ataxia-telangiectasia syndrome. Last evaluated: 2022-03-16. Review status: criteria provided, single submitter. Criteria: Invitae Variant Classification Sherloc (09022015). Collection method: clinical testing. Allele origin: germline. Not counted in ClinVar's aggregate classification.
Comment: This sequence change creates a premature translational stop signal (p.Ala911Argfs*19) in the ATM gene. It is expected to result in an absent or disrupted protein product. Loss-of-function variants in ATM are known to be pathogenic (PMID: 23807571, 25614872). This variant is not present in population databases (gnomAD no frequency). This premature translational stop signal has been observed in individual(s) with pancreatic cancer (PMID: 31285527). ClinVar contains an entry for this variant (Variation ID: 420368). Algorithms developed to predict the effect of sequence changes on RNA splicing suggest that this variant may create or strengthen a splice site. For these reasons, this variant has been classified as Pathogenic.

Color Diagnostics, LLC DBA Color Health
Classification: Pathogenic for Hereditary cancer-predisposing syndrome. Last evaluated: 2020-01-15. Review status: criteria provided, single submitter. Criteria: ACMG Guidelines, 2015. Collection method: clinical testing. Allele origin: germline. Not counted in ClinVar's aggregate classification.
Comment: This variant inserts 2 nucleotides in exon 18 of the ATM gene, creating a frameshift and premature translation stop signal. This variant is expected to result in an absent or non-functional protein product. This variant has not been identified in the general population by the Genome Aggregation Database (gnomAD). Loss of ATM function is a known mechanism of disease. Based on the available evidence, this variant is classified as Pathogenic.

GeneDx
Classification: Likely pathogenic. Last evaluated: 2016-01-11. Review status: criteria provided, single submitter. Criteria: GeneDx Variant Classification (06012015). Collection method: clinical testing. Allele origin: germline. Affected: yes. Not counted in ClinVar's aggregate classification.
Comment: This insertion of 2 nucleotides in ATM is denoted c.2730_2731insAG at the cDNA level and p.Ala911ArgfsX19 (A911RfsX19) at the protein level. The normal sequence, with the bases that are inserted in braces, is TACT[AG]GCTC. The insertion causes a frameshift, which changes an Alanine to an Arginine at codon 911, and creates a premature stop codon at position 19 of the new reading frame. This variant is predicted to cause loss of normal protein function through either protein truncation or nonsense-mediated mRNA decay. ATM c.2730_2731insAG has been observed in the compound heterozygous state in a case of ataxia-telangiectasia (Reiman 2011). Based on the currently available information, we consider this insertion to be a likely pathogenic variant.

Literature cited by the submitters: PubMed 23807571 (cited by Labcorp Genetics (formerly Invitae), Labcorp); PubMed 25614872 (cited by Labcorp Genetics (formerly Invitae), Labcorp); PubMed 31285527 (cited by Labcorp Genetics (formerly Invitae), Labcorp).